The following is an entry in ClinVar:

NM_021167.5(GATAD1):c.619+5G>A

Gene: GATAD1 (GATA zinc finger domain containing 1; plus strand). Cytogenetic location: 7q21.2.
Variant type: single nucleotide variant.
Coding change: c.619+5G>A on transcript NM_021167.5 (MANE Select); 5 bases into the intron after coding-DNA position 619, G replaced by A.
Molecular consequence: intron variant.
Genome position (GRCh38, 1-based): chr7:92,454,690, G>A. VCF-style: chr7-92454690-G-A. GRCh37 (hg19) VCF-style: chr7-92084004-G-A.
Identifiers: ClinVar variation 4028551 (VCV004028551.1).
Genomic context (GRCh38, chr7:92,454,690, plus strand): 5'-CATTCCTACCCTCTCTAGCCCCAGAGACCAATTTGATCCCGCCTCCTATATCATAGGTAA[G>A]TTTGACAAATGGCACAGGTTTTTTTTTAACTTAGTTAACTCTCCAATATTATGTAAAAGA-3'

ClinVar aggregate classification (germline): Uncertain significance (1 of 4 stars; one submission).

Conditions:
Cardiovascular phenotype. Identifiers: MedGen CN230736.

Submission:

Ambry Genetics
Classification: Uncertain significance for Cardiovascular phenotype. Last evaluated: 2025-05-16. Review status: criteria provided, single submitter. Criteria: Ambry Variant Classification Scheme 2023. Collection method: clinical testing. Allele origin: germline.
Comment: The c.619+5G>A intronic variant results from a G to A substitution 5 nucleotides after coding exon 4 in the GATAD1 gene. This nucleotide position is highly conserved in available vertebrate species. In silico splice site analysis predicts that this alteration will not have any significant effect on splicing. The evidence for this gene-disease relationship is limited; therefore, the clinical significance of this alteration is unclear.